The following is an entry in ClinVar:

ClinVar aggregate classification (germline): Uncertain significance (1 of 4 stars; one submission).

Conditions:
Intellectual disability, autosomal recessive 42 (NEDDSBA). Also called: Neurodevelopmental disorder with dysmorphic features, spasticity, and brain abnormalities; GLYCOSYLPHOSPHATIDYLINOSITOL BIOSYNTHESIS DEFECT 9. Identifiers: Orphanet 88616, MedGen C4014343, MONDO:0014348, OMIM 615802.

Submission:

Labcorp Genetics (formerly Invitae), Labcorp
Classification: Uncertain significance for Intellectual disability, autosomal recessive 42. Last evaluated: 2023-11-27. Review status: criteria provided, single submitter. Criteria: Invitae Variant Classification Sherloc (09022015). Collection method: clinical testing. Allele origin: germline.
Comment: This sequence change replaces lysine, which is basic and polar, with asparagine, which is neutral and polar, at codon 795 of the PGAP1 protein (p.Lys795Asn). This variant is not present in population databases (gnomAD no frequency). This variant has not been reported in the literature in individuals affected with PGAP1-related conditions. An algorithm developed to predict the effect of missense changes on protein structure and function (PolyPhen-2) suggests that this variant is likely to be tolerated. In summary, the available evidence is currently insufficient to determine the role of this variant in disease. Therefore, it has been classified as a Variant of Uncertain Significance.

NM_024989.4(PGAP1):c.2385A>C (p.Lys795Asn)

Gene: PGAP1 (post-GPI attachment to proteins inositol deacylase 1; minus strand). Cytogenetic location: 2q33.1.
Variant type: single nucleotide variant.
Coding change: c.2385A>C on transcript NM_024989.4 (MANE Select); coding-DNA position 2385, A replaced by C.
Protein change: p.Lys795Asn; replaces lysine 795 with asparagine.
Molecular consequence: missense variant.
Genome position (GRCh38, 1-based): chr2:196,844,028, T>G on the plus strand (A>C on the coding strand, the complement: PGAP1 is on the minus strand). VCF-style: chr2-196844028-T-G. GRCh37 (hg19) VCF-style: chr2-197708752-T-G.
Other names: c.1863A>C, p.Lys621Asn (NM_001321099.2); c.1218A>C, p.Lys406Asn (NM_001321100.2); short protein forms K406N, K621N, K795N.
Identifiers: ClinVar variation 2697426 (VCV002697426.3), dbSNP rs774403384, ClinGen allele CA350184504.